The following is an entry in ClinVar:

NM_006941.4(SOX10):c.752C>A (p.Ser251Ter)

Genes: POLR2F (RNA polymerase II, I and III subunit F; plus strand), SOX10 (SRY-box transcription factor 10; minus strand). Cytogenetic location: 22q13.1.
Variant type: single nucleotide variant.
Coding change: c.752C>A on transcript NM_006941.4 (MANE Select); coding-DNA position 752, C replaced by A.
Protein change: p.Ser251Ter; replaces serine 251 with a stop codon.
Molecular consequence: nonsense. On other transcripts: intron variant (3).
Genome position (GRCh38, 1-based): chr22:37,974,144, G>T on the plus strand (C>A on the coding strand, the complement: SOX10 is on the minus strand). VCF-style: chr22-37974144-G-T. GRCh37 (hg19) VCF-style: chr22-38370151-G-T.
Other names: c.*38+1834G>T (NM_001363825.1); c.293+6974G>T (NM_001301130.2, NM_001301131.2); short protein forms S251*.
Identifiers: ClinVar variation 7399 (VCV000007399.5), dbSNP rs74315518, ClinGen allele CA118762.

ClinVar aggregate classification (germline): Pathogenic. Review status: criteria provided, single submitter (1 of 4 stars). 2 submissions from 2 submitters: Pathogenic (1). 1 of the submissions does not count toward it. Last evaluated 2025-04-22.

Conditions:
PCWH syndrome. Also called: WAARDENBURG-SHAH SYNDROME, NEUROLOGIC VARIANT. Identifiers: Orphanet 163746, MedGen C1836727, MONDO:0012198, OMIM 609136.

Submissions (2):

Labcorp Genetics (formerly Invitae), Labcorp
Classification: Pathogenic. Last evaluated: 2025-04-22. Review status: criteria provided, single submitter. Criteria: Invitae Variant Classification Sherloc (09022015). Collection method: clinical testing. Allele origin: germline.
Comment: This sequence change creates a premature translational stop signal (p.Ser251*) in the SOX10 gene. While this is not anticipated to result in nonsense mediated decay, it is expected to disrupt the last 216 amino acid(s) of the SOX10 protein. This variant is not present in population databases (gnomAD no frequency). This premature translational stop signal has been observed in individual(s) with Waardenburg syndrome (PMID: 10762540). In at least one individual the variant was observed to be de novo. ClinVar contains an entry for this variant (Variation ID: 7399). This variant disrupts a region of the SOX10 protein in which other variant(s) (p.Gln399*) have been determined to be pathogenic (PMID: 28000701, 31427586; internal data). This suggests that this is a clinically significant region of the protein, and that variants that disrupt it are likely to be disease-causing. For these reasons, this variant has been classified as Pathogenic.

OMIM
Classification: Pathogenic for PERIPHERAL DEMYELINATING NEUROPATHY, CENTRAL DYSMYELINATION, WAARDENBURG SYNDROME, AND HIRSCHSPRUNG DISEASE. Last evaluated: 2000-05-01. Review status: no assertion criteria provided. Collection method: literature only. Allele origin: germline. Not counted in ClinVar's aggregate classification.

Literature cited by the submitters: PubMed 10762540 (cited by Labcorp Genetics (formerly Invitae), Labcorp and OMIM); PubMed 28000701 (cited by Labcorp Genetics (formerly Invitae), Labcorp); PubMed 31427586 (cited by Labcorp Genetics (formerly Invitae), Labcorp).